The following is an entry in ClinVar:

NM_006269.2(RP1):c.305A>C (p.Glu102Ala)

Gene: RP1 (RP1 axonemal microtubule associated; plus strand). Cytogenetic location: 8q12.1.
Variant type: single nucleotide variant.
Coding change: c.305A>C on transcript NM_006269.2 (MANE Select); coding-DNA position 305, A replaced by C.
Protein change: p.Glu102Ala; replaces glutamic acid 102 with alanine.
Molecular consequence: missense variant.
Genome position (GRCh38, 1-based): chr8:54,621,271, A>C. VCF-style: chr8-54621271-A-C. GRCh37 (hg19) VCF-style: chr8-55533831-A-C.
Other names: c.305A>C, p.Glu102Ala (NM_001375654.1); c.305A>C (NM_006269.1); short protein forms E102A.
Identifiers: ClinVar variation 2958997 (VCV002958997.4), dbSNP rs1355889696, ClinGen allele CA370986231.

ClinVar aggregate classification (germline): Uncertain significance. Review status: criteria provided, multiple submitters, no conflicts (2 of 4 stars). 2 submissions from 2 submitters: Uncertain significance (2). Last evaluated 2025-03-08.

Conditions:
Inborn genetic diseases. Identifiers: MedGen C0950123, MeSH D030342.

Allele frequency attached by ClinVar (database versions not stated): TOPMed below 0.00001; gnomAD 0.00001; gnomAD exomes 0.00001.
gnomAD v4.1: 7 of 1,613,928 alleles (0.00043%); highest among the groups gnomAD compares: Admixed American, 0.0067%; no homozygotes.

Submissions (2):

Ambry Genetics
Classification: Uncertain significance for Inborn genetic diseases. Last evaluated: 2025-03-08. Review status: criteria provided, single submitter. Criteria: Ambry Variant Classification Scheme 2023. Collection method: clinical testing. Allele origin: germline.

Labcorp Genetics (formerly Invitae), Labcorp
Classification: Uncertain significance. Last evaluated: 2023-04-13. Review status: criteria provided, single submitter. Criteria: Invitae Variant Classification Sherloc (09022015). Collection method: clinical testing. Allele origin: germline.
Comment: Algorithms developed to predict the effect of missense changes on protein structure and function output the following: SIFT: "Not Available"; PolyPhen-2: "Benign"; Align-GVGD: "Not Available". The alanine amino acid residue is found in multiple mammalian species, which suggests that this missense change does not adversely affect protein function. In summary, the available evidence is currently insufficient to determine the role of this variant in disease. Therefore, it has been classified as a Variant of Uncertain Significance. This variant has not been reported in the literature in individuals affected with RP1-related conditions. This sequence change replaces glutamic acid, which is acidic and polar, with alanine, which is neutral and non-polar, at codon 102 of the RP1 protein (p.Glu102Ala). This variant is present in population databases (no rsID available, gnomAD 0.003%).